The following is an entry in ClinVar:

NM_000268.4(NF2):c.454G>A (p.Asp152Asn)

Gene: NF2 (NF2, moesin-ezrin-radixin like (MERLIN) tumor suppressor; plus strand). Cytogenetic location: 22q12.2.
Variant type: single nucleotide variant.
Coding change: c.454G>A on transcript NM_000268.4 (MANE Select); coding-DNA position 454, G replaced by A.
Protein change: p.Asp152Asn; replaces aspartic acid 152 with asparagine.
Molecular consequence: missense variant. On other transcripts: 5 prime UTR variant (1), intron variant (1).
Genome position (GRCh38, 1-based): chr22:29,654,663, G>A. VCF-style: chr22-29654663-G-A. GRCh37 (hg19) VCF-style: chr22-30050652-G-A.
Other names: c.340G>A, p.Asp114Asn (NM_001407053.1, NM_001407056.1); c.331G>A, p.Asp111Asn (NM_001407054.1, NM_001407058.1, NM_001407062.1 and 1 more transcripts); c.328G>A, p.Asp110Asn (NM_001407055.1, NM_181828.3); c.454G>A, p.Asp152Asn (NM_001407057.1, NM_001407059.1, NM_001407060.1 and 4 more transcripts); c.205G>A, p.Asp69Asn (NM_001407063.1, NM_001407064.1, NM_181830.3 and 1 more transcripts); c.-187G>A (NM_001407065.1); c.223G>A, p.Asp75Asn (NM_001407067.1); c.447+12378G>A (NM_181833.3); short protein forms D111N, D69N, D114N, D110N, D152N, D75N.
Identifiers: ClinVar variation 2587694 (VCV002587694.2), dbSNP rs2146966341, ClinGen allele CA411142116.

ClinVar aggregate classification (germline): Uncertain significance (1 of 4 stars; one submission).

Conditions:
Hereditary cancer-predisposing syndrome. Also called: Tumor predisposition; Hereditary Cancer Syndrome; Hereditary neoplastic syndrome; Neoplastic Syndromes, Hereditary. Identifiers: Orphanet 140162, MedGen C0027672, MeSH D009386, MONDO:0015356.

Submission:

Ambry Genetics
Classification: Uncertain significance for Hereditary cancer-predisposing syndrome. Last evaluated: 2023-06-15. Review status: criteria provided, single submitter. Criteria: Ambry Variant Classification Scheme 2023. Collection method: clinical testing. Allele origin: germline.
Comment: The p.D152N variant (also known as c.454G>A), located in coding exon 5 of the NF2 gene, results from a G to A substitution at nucleotide position 454. The aspartic acid at codon 152 is replaced by asparagine, an amino acid with highly similar properties. This amino acid position is conserved. In addition, the in silico prediction for this alteration is inconclusive. Since supporting evidence is limited at this time, the clinical significance of this alteration remains unclear.